The following is an entry in ClinVar:

ClinVar aggregate classification (germline): Uncertain significance (1 of 4 stars; one submission).

Submission:

GeneDx
Classification: Uncertain significance. Last evaluated: 2024-12-08. Review status: criteria provided, single submitter. Criteria: GeneDx Variant Classification Process June 2021. Collection method: clinical testing. Allele origin: germline. Affected: yes.
Comment: Not observed at significant frequency in large population cohorts (gnomAD); In silico analysis supports that this missense variant has a deleterious effect on protein structure/function; Has not been previously published as pathogenic or benign to our knowledge

NM_001318510.2(ACSL4):c.1462G>A (p.Gly488Arg)

Gene: ACSL4 (acyl-CoA synthetase long chain family member 4; minus strand). Cytogenetic location: Xq23.
Variant type: single nucleotide variant.
Coding change: c.1462G>A on transcript NM_001318510.2 (MANE Select); coding-DNA position 1462, G replaced by A.
Protein change: p.Gly488Arg; replaces glycine 488 with arginine.
Molecular consequence: missense variant.
Genome position (GRCh38, 1-based): chrX:109,663,331, C>T on the plus strand (G>A on the coding strand, the complement: ACSL4 is on the minus strand). VCF-style: chrX-109663331-C-T. GRCh37 (hg19) VCF-style: chrX-108906560-C-T.
Other names: c.1585G>A, p.Gly529Arg (NM_001318509.2, NM_022977.3); c.1462G>A, p.Gly488Arg (NM_004458.3); short protein forms G488R, G529R.
Identifiers: ClinVar variation 3901465 (VCV003901465.1).